The following is an entry in ClinVar:

ClinVar aggregate classification (germline): Uncertain significance (1 of 4 stars; one submission).

gnomAD v4.1: 7 of 1,613,132 alleles (0.00043%); highest among the groups gnomAD compares: African/African-American, 0.0027%; no homozygotes.

Submission:

Mayo Clinic Laboratories, Mayo Clinic
Classification: Uncertain significance. Last evaluated: 2023-11-07. Review status: criteria provided, single submitter. Criteria: ACMG Guidelines, 2015. Collection method: clinical testing. Allele origin: germline. Observed: 1 variant allele.
Comment: PM2

NM_001710.6(CFB):c.668T>C (p.Met223Thr)

Gene: CFB (complement factor B; plus strand). Cytogenetic location: 6p21.33.
Variant type: single nucleotide variant.
Coding change: c.668T>C on transcript NM_001710.6 (MANE Select); coding-DNA position 668, T replaced by C.
Protein change: p.Met223Thr; replaces methionine 223 with threonine.
Molecular consequence: missense variant.
Genome position (GRCh38, 1-based): chr6:31,947,751, T>C. VCF-style: chr6-31947751-T-C. GRCh37 (hg19) VCF-style: chr6-31915528-T-C.
Other names: p.Met223Thr; short protein forms M223T.
Identifiers: ClinVar variation 3379648 (VCV003379648.1).